The following is an entry in ClinVar:

ClinVar aggregate classification (germline): Uncertain significance (1 of 4 stars; one submission).

Submission:

Labcorp Genetics (formerly Invitae), Labcorp
Classification: Uncertain significance. Last evaluated: 2023-02-27. Review status: criteria provided, single submitter. Criteria: Invitae Variant Classification Sherloc (09022015). Collection method: clinical testing. Allele origin: germline.
Comment: In summary, the available evidence is currently insufficient to determine the role of this variant in disease. Therefore, it has been classified as a Variant of Uncertain Significance. This sequence change replaces glycine, which is neutral and non-polar, with arginine, which is basic and polar, at codon 187 of the COL4A4 protein (p.Gly187Arg). This variant is not present in population databases (gnomAD no frequency). This variant has not been reported in the literature in individuals affected with COL4A4-related conditions. An algorithm developed to predict the effect of missense changes on protein structure and function (PolyPhen-2) suggests that this variant is likely to be disruptive.

NM_000092.5(COL4A4):c.559G>A (p.Gly187Arg)

Gene: COL4A4 (collagen type IV alpha 4 chain; minus strand). Cytogenetic location: 2q36.3.
Variant type: single nucleotide variant.
Coding change: c.559G>A on transcript NM_000092.5 (MANE Select); coding-DNA position 559, G replaced by A.
Protein change: p.Gly187Arg; replaces glycine 187 with arginine.
Molecular consequence: missense variant.
Genome position (GRCh38, 1-based): chr2:227,111,713, C>T on the plus strand (G>A on the coding strand, the complement: COL4A4 is on the minus strand). VCF-style: chr2-227111713-C-T. GRCh37 (hg19) VCF-style: chr2-227976429-C-T.
Other names: short protein forms G187R.
Identifiers: ClinVar variation 2967945 (VCV002967945.3), dbSNP rs1028338591, ClinGen allele CA66570742.